The following is an entry in ClinVar:

NM_018834.6(MATR3):c.1954C>T (p.Leu652Phe)

Genes: MATR3 (matrin 3; plus strand), LOC126807526 (CDK7 strongly-dependent group 2 enhancer GRCh37_chr5:138657767-138658966; plus strand). Cytogenetic location: 5q31.2.
Variant type: single nucleotide variant.
Coding change: c.1954C>T on transcript NM_018834.6 (MANE Select); coding-DNA position 1954, C replaced by T.
Protein change: p.Leu652Phe; replaces leucine 652 with phenylalanine.
Molecular consequence: missense variant.
Genome position (GRCh38, 1-based): chr5:139,322,773, C>T. VCF-style: chr5-139322773-C-T. GRCh37 (hg19) VCF-style: chr5-138658462-C-T.
Other names: c.1954C>T, p.Leu652Phe (NM_001194954.2, NM_001194955.2, NM_199189.3); c.1090C>T, p.Leu364Phe (NM_001194956.2); c.940C>T, p.Leu314Phe (NM_001282278.2); short protein forms L652F, L314F, L364F.
Identifiers: ClinVar variation 351132 (VCV000351132.6), dbSNP rs886059991, ClinGen allele CA10619143.

ClinVar aggregate classification (germline): Uncertain significance. Review status: criteria provided, multiple submitters, no conflicts (2 of 4 stars). 2 submissions from 2 submitters: Uncertain significance (2). Last evaluated 2025-02-05.

Conditions:
Amyotrophic lateral sclerosis type 21. Also called: VOCAL CORD AND PHARYNGEAL DYSFUNCTION WITH DISTAL MYOPATHY; MYOPATHY, DISTAL, 2. Identifiers: Orphanet 600, Orphanet 803, MedGen C3807521, MONDO:0011632, OMIM 606070.

Submissions (2):

Women's Health and Genetics/Laboratory Corporation of America, LabCorp
Classification: Uncertain significance. Last evaluated: 2025-02-05. Review status: criteria provided, single submitter. Criteria: LabCorp Variant Classification Summary - May 2015. Collection method: clinical testing. Allele origin: germline.
Comment: Variant summary: MATR3 c.1954C>T (p.Leu652Phe) results in a non-conservative amino acid change in the encoded protein sequence. Three of five in-silico tools predict a damaging effect of the variant on protein function. The variant was absent in 251450 control chromosomes. The available data on variant occurrences in the general population are insufficient to allow any conclusion about variant significance. To our knowledge, no occurrence of c.1954C>T in individuals affected with Amyotrophic lateral sclerosis type 1 and no experimental evidence demonstrating its impact on protein function have been reported. ClinVar contains an entry for this variant (Variation ID: 351132). Based on the evidence outlined above, the variant was classified as uncertain significance.

Illumina Laboratory Services, Illumina
Classification: Uncertain significance for Amyotrophic lateral sclerosis type 21. Last evaluated: 2018-01-13. Review status: criteria provided, single submitter. Criteria: ICSL Variant Classification Criteria 13 December 2019. Collection method: clinical testing. Allele origin: germline.